The following is an entry in ClinVar:

ClinVar aggregate classification (germline): Uncertain significance (1 of 4 stars; one submission).

Conditions:
WHIM syndrome 1 (WHIMS). Identifiers: Orphanet 51636, MedGen C5542296, MONDO:8000006, OMIM 193670.

Submission:

Victorian Clinical Genetics Services, Murdoch Childrens Research Institute
Classification: Uncertain significance for WHIM syndrome 1. Last evaluated: 2026-04-13. Review status: criteria provided, single submitter. Criteria: ACMG Guidelines, 2015. Collection method: clinical testing. Allele origin: germline. Affected: yes.
Comment: This variant is classified as VUS-3A. Evidence in support of pathogenic classification: Variant is absent from gnomAD (v2, v3 and v4); Missense variant predicted to be damaging by in silico tool(s) or highly conserved with a major amino acid change. Additional information: Variant is predicted to result in a missense amino acid change from Ser to Ile; This variant is heterozygous; This gene is associated with autosomal dominant disease; This variant has no previous evidence of pathogenicity; No published evidence of segregation with disease has been identified for this variant; Functional evidence for this variant is inconclusive. The p.(Ser131Ile) variant was shown not to abrogate cell surface expression, nor exhibit increased enrichment. However, the assay used does not conclusively model disease association (PMID: 37690681); No comparable missense variants have previous evidence for pathogenicity; Variant is located in the annotated 7tm_1 domain (DECIPHER). Additionally, the p.Ser131 residue has been postulated as a critical amino acid within the microswitch activation region required for signal transmission (PMID: 27543332); Gain of function is a known mechanism of disease in this gene and is associated with WHIM syndrome 1 (MIM#193670); Variants in this gene are known to have variable expressivity. Individuals harbouring the same pathogenic variants present with varying clinical and laboratory features (PMID: 40239948); Inheritance information for this variant is not currently available in this individual.

Literature cited by the submitters: PubMed 40239948; PubMed 37690681; PubMed 27543332.

NM_003467.3(CXCR4):c.392G>T (p.Ser131Ile)

Gene: CXCR4 (C-X-C motif chemokine receptor 4; minus strand). Cytogenetic location: 2q22.1.
Variant type: single nucleotide variant.
Coding change: c.392G>T on transcript NM_003467.3 (MANE Select); coding-DNA position 392, G replaced by T.
Protein change: p.Ser131Ile; replaces serine 131 with isoleucine.
Molecular consequence: missense variant.
Genome position (GRCh38, 1-based): chr2:136,115,536, C>A on the plus strand (G>T on the coding strand, the complement: CXCR4 is on the minus strand). VCF-style: chr2-136115536-C-A. GRCh37 (hg19) VCF-style: chr2-136873106-C-A.
Other names: c.404G>T, p.Ser135Ile (NM_001008540.2); c.605G>T, p.Ser202Ile (NM_001348056.2); c.491G>T, p.Ser164Ile (NM_001348059.2); c.347G>T, p.Ser116Ile (NM_001348060.2); short protein forms S116I, S131I, S135I, S164I, S202I.
Identifiers: ClinVar variation 4879673 (VCV004879673.1).